The following is an entry in ClinVar:

ClinVar aggregate classification (germline): Uncertain significance (1 of 4 stars; one submission).

Submission:

Labcorp Genetics (formerly Invitae), Labcorp
Classification: Uncertain significance. Last evaluated: 2024-10-30. Review status: criteria provided, single submitter. Criteria: Invitae Variant Classification Sherloc (09022015). Collection method: clinical testing. Allele origin: germline.
Comment: This variant, c.19_21del, results in the deletion of 1 amino acid(s) of the KIAA1161 protein (p.Glu7del), but otherwise preserves the integrity of the reading frame. This variant is present in population databases (no rsID available, gnomAD 0.003%). This variant has not been reported in the literature in individuals affected with KIAA1161-related conditions. ClinVar contains an entry for this variant (Variation ID: 1962184). Experimental studies and prediction algorithms are not available or were not evaluated, and the functional significance of this variant is currently unknown. In summary, the available evidence is currently insufficient to determine the role of this variant in disease. Therefore, it has been classified as a Variant of Uncertain Significance.

NM_020702.5(MYORG):c.19_21del (p.Glu7del)

Gene: MYORG (myogenesis regulating glycosidase; minus strand). Cytogenetic location: 9p13.3.
Variant type: Deletion.
Coding change: c.19_21del on transcript NM_020702.5 (MANE Select); coding-DNA positions 19 to 21, 3 bases deleted (GAG; older notation c.19_21delGAG).
Protein change: p.Glu7del; deletes glutamic acid 7.
Molecular consequence: inframe deletion.
Genome position (GRCh38, 1-based): chr9:34,372,923-34,372,925, CTC deleted on the plus strand (GAG on the coding strand, the reverse complement: MYORG is on the minus strand); deleting any 3 consecutive bases within chr9:34,372,923-34,372,927 gives the same sequence; the c. name uses the placement nearest the transcript's 3' end. VCF-style (leftmost placement, unchanged base first): chr9-34372922-TCTC-T. GRCh37 (hg19) VCF-style: chr9-34372920-TCTC-T.
Other names: short protein forms E7del.
Identifiers: ClinVar variation 1962184 (VCV001962184.5), dbSNP rs1349349961, ClinGen allele CA587567787.